The following is an entry in ClinVar:

ClinVar aggregate classification (germline): Likely pathogenic (1 of 4 stars; one submission).

Submission:

Quest Diagnostics Nichols Institute San Juan Capistrano
Classification: Likely pathogenic. Last evaluated: 2024-08-08. Review status: criteria provided, single submitter. Criteria: ACMG/ClinGen CNV Guidelines, 2019. Collection method: clinical testing. Allele origin: unknown.
Comment: This copy number gain involves at least 112 protein-coding genes. Similar duplications have been identified in probands with variable phenotypic features (Chen 2020, Cucinotta 2023, Ozyilmaz 2017, Riley 2015, Sajan 2013, Sandoval-Talamantes 2023, Sousa 2023, Zhang 2022). There are no similar copy number gains of this region in the general populations of the Database of Genomic Variants. Therefore, based on gene count and current medical literature, this copy number variant (CNV) is classified as likely pathogenic. References: Chen et al., Taiwan J Obstet Gynecol. 2020 Nov;59(6):941-944. PMID: 33218417 Cucinotta et al., Mol Genet Genomic Med. 2023 Aug;11(8):e2182. PMID: 37186221 Ozyilmaz et al., Clin Genet. 2017 Oct;92(4):372-379. PMID: 28128450 Riley et al., Am J Med Genet A. 2015 Nov;167A(11):2664-73. PMID: 26227573 Sajan et al., PLoS Genet. 2013;9(10):e1003823. PMID: 24098143 Sandoval-Talamantes et al., Genes (Basel). 2023 Mar 29;14(4):820. PMID: 37107578 Sousa et al., Porto Biomed J. 2023 Feb 7;8(1):e198. PMID: 37213247 Zhang et al., Mol Cytogenet. 2022 Aug 15;15(1):34. PMID: 35971114

GRCh37/hg19 2p11.2-q11.2(chr2:85898497-97671333)x3

Genes: ADRA2B (adrenoceptor alpha 2B; minus strand), ANKRD23 (ankyrin repeat domain 23; minus strand), ANKRD36C (ankyrin repeat domain 36C; minus strand), ANKRD39 (ankyrin repeat domain 39; minus strand), ARID5A (AT-rich interaction domain 5A; plus strand) and 53 more. Cytogenetic location: 2p11.2-q11.2.
Variant type: copy number gain.
Change: copy number 3 (three copies instead of two) of chr2:85,898,497-97,671,333 (11.77 Mb, GRCh37 coordinates, 1-based), cytogenetic band 2p11.2-q11.2.
Identifiers: ClinVar variation 4682540 (VCV004682540.1).